The following is an entry in ClinVar:

ClinVar aggregate classification (germline): Likely benign. Review status: criteria provided, single submitter (1 of 4 stars). 2 submissions from 2 submitters: Likely benign (1). 1 of the submissions does not count toward it. Last evaluated 2022-09-01.

Conditions:
DHPS-related disorder. Also called: DHPS-related condition.

Allele frequency attached by ClinVar (database versions not stated): gnomAD exomes 0.00044; ExAC 0.00081; gnomAD 0.00125; TOPMed 0.00137; ESP Exome Variant Server 0.00146; 1000 Genomes Project 30x 0.00250.
gnomAD v4.1: 896 of 1,614,276 alleles (0.056%); highest among the groups gnomAD compares: African/African-American, 0.24%; 4 homozygotes.

Submissions (2):

CeGaT Center for Human Genetics Tuebingen
Classification: Likely benign. Last evaluated: 2022-09-01. Review status: criteria provided, single submitter. Criteria: CeGaT Center For Human Genetics Tuebingen Variant Classification Criteria Version 2. Collection method: clinical testing. Allele origin: germline. Affected: yes. Observed: 2 variant alleles.
Comment: DHPS: BP4

PreventionGenetics, part of Exact Sciences
Classification: Benign for DHPS-related condition. Last evaluated: 2019-11-08. Review status: no assertion criteria provided. Collection method: clinical testing. Allele origin: germline. Not counted in ClinVar's aggregate classification.
Comment: This variant is classified as benign based on ACMG/AMP sequence variant interpretation guidelines (Richards et al. 2015 PMID: 25741868, with internal and published modifications).

NM_001930.4(DHPS):c.191A>G (p.Gln64Arg)

Genes: DHPS (deoxyhypusine synthase; minus strand), LOC112543448 (CRISPRi-FlowFISH-validated WDR83OS regulatory elements; plus strand). Cytogenetic location: 19p13.13.
Variant type: single nucleotide variant.
Coding change: c.191A>G on transcript NM_001930.4 (MANE Select); coding-DNA position 191, A replaced by G.
Protein change: p.Gln64Arg; replaces glutamine 64 with arginine.
Molecular consequence: missense variant. On other transcripts: 5 prime UTR variant (1), non-coding transcript variant (3).
Genome position (GRCh38, 1-based): chr19:12,681,576, T>C on the plus strand (A>G on the coding strand, the complement: DHPS is on the minus strand). VCF-style: chr19-12681576-T-C. GRCh37 (hg19) VCF-style: chr19-12792390-T-C.
Other names: c.191A>G (NM_001930.3); c.191A>G, p.Gln64Arg (NM_001369691.1, NM_001369692.1, NM_013406.3 and 1 more transcripts); c.-324A>G (NM_001369693.1); short protein forms Q64R.
Identifiers: ClinVar variation 2649343 (VCV002649343.25), dbSNP rs34610671, ClinGen allele CA9227982.